The following is an entry in ClinVar:

NM_003072.5(SMARCA4):c.3597G>A (p.Val1199=)

Gene: SMARCA4 (SWI/SNF related BAF chromatin remodeling complex subunit ATPase 4; plus strand). Cytogenetic location: 19p13.2.
Variant type: single nucleotide variant.
Coding change: c.3597G>A on transcript NM_003072.5 (MANE Select); coding-DNA position 3597, G replaced by A.
Protein change: p.Val1199=; no amino-acid change (valine 1199 retained).
Molecular consequence: synonymous variant. On other transcripts: non-coding transcript variant (1).
Genome position (GRCh38, 1-based): chr19:11,033,340, G>A. VCF-style: chr19-11033340-G-A. GRCh37 (hg19) VCF-style: chr19-11144016-G-A.
Other names: c.3597G>A, p.Val1199= (NM_001128844.3, NM_001128845.2, NM_001128846.2 and 6 more transcripts).
Identifiers: ClinVar variation 1733029 (VCV001733029.10), dbSNP rs777594280, ClinGen allele CA9204475.

ClinVar aggregate classification (germline): Benign/Likely benign. Review status: criteria provided, multiple submitters, no conflicts (2 of 4 stars). 3 submissions from 3 submitters: Benign (1); Likely benign (2). Last evaluated 2026-07-15.

Conditions:
Rhabdoid tumor predisposition syndrome 2 (RTPS2). Identifiers: Orphanet 231108, Orphanet 69077, MedGen C2750074, MONDO:0013224, OMIM 613325.
Hereditary cancer-predisposing syndrome. Also called: Hereditary neoplastic syndrome; Neoplastic Syndromes, Hereditary; Tumor predisposition; Hereditary Cancer Syndrome. Identifiers: Orphanet 140162, MedGen C0027672, MeSH D009386, MONDO:0015356.

Allele frequency attached by ClinVar (database versions not stated): ExAC 0.00001; gnomAD exomes below 0.00001; TOPMed 0.00001.
gnomAD v4.1: 1 of 1,613,226 alleles (0.000062%); highest among the groups gnomAD compares: Non-Finnish European, 0.000085%; no homozygotes.

Submissions (3):

Myriad Genetics, Inc.
Classification: Benign for Rhabdoid tumor predisposition syndrome 2. Last evaluated: 2026-07-15. Review status: criteria provided, single submitter. Criteria: Myriad Autosomal Dominant, Autosomal Recessive and X-Linked Classification Criteria (2023). Collection method: clinical testing. Allele origin: unknown.
Comment: This variant is considered benign. This variant is a silent/synonymous amino acid change and it is not expected to impact splicing.

Labcorp Genetics (formerly Invitae), Labcorp
Classification: Likely benign for Rhabdoid tumor predisposition syndrome 2. Last evaluated: 2024-11-11. Review status: criteria provided, single submitter. Criteria: Invitae Variant Classification Sherloc (09022015). Collection method: clinical testing. Allele origin: germline.

Ambry Genetics
Classification: Likely benign for Hereditary cancer-predisposing syndrome. Last evaluated: 2021-06-18. Review status: criteria provided, single submitter. Criteria: Ambry Variant Classification Scheme 2023. Collection method: clinical testing. Allele origin: germline.